The following is an entry in ClinVar:

NM_001040151.2(SCN3B):c.582C>T (p.Asn194=)

Gene: SCN3B (sodium voltage-gated channel beta subunit 3; minus strand). Cytogenetic location: 11q24.1.
Variant type: single nucleotide variant.
Coding change: c.582C>T on transcript NM_001040151.2 (MANE Select); coding-DNA position 582, C replaced by T.
Protein change: p.Asn194=; no amino-acid change (asparagine 194 retained).
Molecular consequence: synonymous variant.
Genome position (GRCh38, 1-based): chr11:123,638,188, G>A on the plus strand (C>T on the coding strand, the complement: SCN3B is on the minus strand). VCF-style: chr11-123638188-G-A. GRCh37 (hg19) VCF-style: chr11-123508896-G-A.
Other names: p.N194N:AAC>AAT; c.582C>T, p.Asn194= (NM_018400.4).
Identifiers: ClinVar variation 190883 (VCV000190883.24), dbSNP rs34964168, ClinGen allele CA302198.

ClinVar aggregate classification (germline): Benign/Likely benign. Review status: criteria provided, multiple submitters, no conflicts (2 of 4 stars). 8 submissions from 8 submitters: Benign (3); Likely benign (3). 2 of the submissions do not count toward it. Last evaluated 2026-02-03.

Conditions:
Cardiovascular phenotype. Identifiers: MedGen CN230736.
Brugada syndrome 7 (BRGDA7). Identifiers: Orphanet 130, MedGen C2751088, MONDO:0013146, OMIM 613120.

Allele frequency attached by ClinVar (database versions not stated): gnomAD exomes 0.00076 and 0.00078; ExAC 0.00081; 1000 Genomes Project 0.00180; ESP Exome Variant Server 0.00208; gnomAD 0.00215 and 0.00232; 1000 Genomes Project 30x 0.00219; TOPMed 0.00243.
gnomAD v4.1: 1,457 of 1,614,040 alleles (0.09%); highest among the groups gnomAD compares: African/African-American, 0.68%; 3 homozygotes.

Submissions (9):

Labcorp Genetics (formerly Invitae), Labcorp
Classification: Benign for Brugada syndrome 7. Last evaluated: 2026-02-03. Review status: criteria provided, single submitter. Criteria: Invitae Variant Classification Sherloc (09022015). Collection method: clinical testing. Allele origin: germline.

Blueprint Genetics
Classification: Likely benign. Last evaluated: 2024-11-25. Review status: criteria provided, single submitter. Criteria: ACMG Guidelines, 2015. Collection method: clinical testing. Allele origin: germline.

Women's Health and Genetics/Laboratory Corporation of America, LabCorp
Classification: Benign. Last evaluated: 2023-12-17. Review status: criteria provided, single submitter. Criteria: LabCorp Variant Classification Summary - May 2015. Collection method: clinical testing. Allele origin: germline.

Fulgent Genetics
Classification: Likely benign for Brugada syndrome 7. Last evaluated: 2022-02-08. Review status: criteria provided, single submitter. Criteria: ACMG Guidelines, 2015. Collection method: clinical testing. Allele origin: unknown.

Ambry Genetics
Classification: Likely benign for Cardiovascular phenotype. Last evaluated: 2017-01-23. Review status: criteria provided, single submitter. Criteria: Ambry Variant Classification Scheme 2023. Collection method: clinical testing. Allele origin: germline.

GeneDx
Classification: Benign. Last evaluated: 2014-07-10. Review status: criteria provided, single submitter. Criteria: GeneDx Variant Classification (06012015). Collection method: clinical testing. Allele origin: germline. Affected: yes.
Comment: This variant is considered likely benign or benign based on one or more of the following criteria: it is a conservative change, it occurs at a poorly conserved position in the protein, it is predicted to be benign by multiple in silico algorithms, and/or has population frequency not consistent with disease.

Clinical Genetics, Academic Medical Center
Classification: Benign. Review status: no assertion criteria provided. Collection method: clinical testing. Allele origin: germline. Affected: yes. Study: VKGL Data-share Consensus. Not counted in ClinVar's aggregate classification.

Dr. Peter K. Rogan Lab, Western University
No classification provided (evidence only). Condition: Sarcoma. Review status: no classification provided. Collection method: in vitro. Allele origin: not applicable. Functional consequence: retained intron. Not counted in ClinVar's aggregate classification.

Joint Genome Diagnostic Labs from Nijmegen and Maastricht, Radboudumc and MUMC+
Classification: Likely benign. Review status: no assertion criteria provided. Collection method: clinical testing. Allele origin: germline. Affected: yes. Study: VKGL Data-share Consensus. Not counted in ClinVar's aggregate classification.